The following is an entry in ClinVar:

ClinVar aggregate classification (germline): Uncertain significance (1 of 4 stars; one submission).

Conditions:
Inborn genetic diseases. Identifiers: MedGen C0950123, MeSH D030342.

Submission:

Ambry Genetics
Classification: Uncertain significance for Inborn genetic diseases. Last evaluated: 2026-03-13. Review status: criteria provided, single submitter. Criteria: Ambry Variant Classification Scheme 2023. Collection method: clinical testing. Allele origin: germline.
Comment: The p.V310L variant (also known as c.928G>T), located in coding exon 3 of the MBD4 gene, results from a G to T substitution at nucleotide position 928. The valine at codon 310 is replaced by leucine, an amino acid with highly similar properties. This amino acid position is conserved. In addition, this alteration is predicted to be tolerated by in silico analysis. Based on the available evidence, the clinical significance of this variant remains unclear.

NM_001276270.2(MBD4):c.928G>T (p.Val310Leu)

Gene: MBD4 (methyl-CpG binding domain 4, DNA glycosylase; minus strand). Cytogenetic location: 3q21.3.
Variant type: single nucleotide variant.
Coding change: c.928G>T on transcript NM_001276270.2 (MANE Select); coding-DNA position 928, G replaced by T.
Protein change: p.Val310Leu; replaces valine 310 with leucine.
Molecular consequence: missense variant. On other transcripts: intron variant (1).
Genome position (GRCh38, 1-based): chr3:129,436,716, C>A on the plus strand (G>T on the coding strand, the complement: MBD4 is on the minus strand). VCF-style: chr3-129436716-C-A. GRCh37 (hg19) VCF-style: chr3-129155559-C-A.
Other names: c.928G>T, p.Val310Leu (NM_001276271.2, NM_001276272.2, NM_003925.3); c.247+1092G>T (NM_001276273.2); short protein forms V310L.
Identifiers: ClinVar variation 4827731 (VCV004827731.1).